The following is an entry in ClinVar:

ClinVar aggregate classification (germline): Pathogenic (1 of 4 stars; one submission).

Conditions:
Aspartylglucosaminuria (AGU). Also called: AGA DEFICIENCY; GLYCOASPARAGINASE; GLYCOSYLASPARAGINASE DEFICIENCY; Aspartylglucos-aminuria; Aspartylglucos-amidase (AGA) deficiency. Identifiers: Orphanet 93, MedGen C0268225, MONDO:0008830, OMIM 208400, HP:0012068.

Submission:

Institute of Biochemistry, Faculty of Medicine, University of Giessen
Classification: Pathogenic for Aspartylglucosaminuria. Last evaluated: 2026-06-04. Review status: criteria provided, single submitter. Criteria: ACMG Guidelines, 2015. Collection method: research. Allele origin: inherited. Inheritance: Autosomal recessive inheritance. Affected: yes. Observed: 1 variant allele, 1 compound heterozygote.
Comment: P28 is a highly conserved amino acid located close to the N-terminus of the alpha subunit, being the 5th residue of the mature alpha subunit. Therefore, the P28L substitution could have an effect on the removal of the signal peptide, or it may affect the polypeptide conformation. Overexpression studies in HEK293T cells showed a reduced enzyme activity (20-30% of reference activity) and reduced processing of the precursor protein in subunits.

Literature cited by the submitters: DOI 10.3389/fchem.2026.1860625.

NM_000027.4(AGA):c.83C>T (p.Pro28Leu)

Gene: AGA (aspartylglucosaminidase; minus strand). Cytogenetic location: 4q34.3.
Variant type: single nucleotide variant.
Coding change: c.83C>T on transcript NM_000027.4 (MANE Select); coding-DNA position 83, C replaced by T.
Protein change: p.Pro28Leu; replaces proline 28 with leucine.
Molecular consequence: missense variant. On other transcripts: non-coding transcript variant (1).
Genome position (GRCh38, 1-based): chr4:177,442,293, G>A on the plus strand (C>T on the coding strand, the complement: AGA is on the minus strand). VCF-style: chr4-177442293-G-A. GRCh37 (hg19) VCF-style: chr4-178363447-G-A.
Other names: c.83C>T, p.Pro28Leu (NM_001171988.2).
Identifiers: ClinVar variation 4856809 (VCV004856809.1).